The following is an entry in ClinVar:

NM_000039.3(APOA1):c.11C>T (p.Ala4Val)

Genes: APOA1 (apolipoprotein A1; minus strand), APOA1-AS (APOA1 antisense RNA; plus strand). Cytogenetic location: 11q23.3.
Variant type: single nucleotide variant.
Coding change: c.11C>T on transcript NM_000039.3 (MANE Select); coding-DNA position 11, C replaced by T.
Protein change: p.Ala4Val; replaces alanine 4 with valine.
Molecular consequence: missense variant.
Genome position (GRCh38, 1-based): chr11:116,837,377, G>A on the plus strand (C>T on the coding strand, the complement: APOA1 is on the minus strand). VCF-style: chr11-116837377-G-A. GRCh37 (hg19) VCF-style: chr11-116708093-G-A.
Other names: c.11C>T, p.Ala4Val (NM_001318018.2, NM_001318017.2); c.-273C>T (NM_001318021.2); short protein forms A4V.
Identifiers: ClinVar variation 1384478 (VCV001384478.6), dbSNP rs1265273561, ClinGen allele CA382722494.
Genomic context (GRCh38, chr11:116,837,377, plus strand): 5'-TTGGCTCCCTAGGTTAGGGGACACCTACCCGTCAGGAAGAGCACGGCCAAGGTCAGCACC[G>A]CAGCTTTCATCCTGAAGGGCCGTGGGGGACCTGGAGGAGAAGAAGGGCCTGGCTGAGTGG-3'
Protein context (NP_000030.1, residues 1-14): MKA[Ala4Val]VLTLAVLFLT

ClinVar aggregate classification (germline): Uncertain significance. Review status: criteria provided, multiple submitters, no conflicts (2 of 4 stars). 2 submissions from 2 submitters: Uncertain significance (2). Last evaluated 2023-05-15.

Allele frequency attached by ClinVar (database versions not stated): TOPMed below 0.00001.
gnomAD v4.1: 4 of 1,561,064 alleles (0.00026%); highest among the groups gnomAD compares: Middle Eastern, 0.017%; no homozygotes.

Submissions (2):

Women's Health and Genetics/Laboratory Corporation of America, LabCorp
Classification: Uncertain significance. Last evaluated: 2023-05-15. Review status: criteria provided, single submitter. Criteria: LabCorp Variant Classification Summary - May 2015. Collection method: clinical testing. Allele origin: germline.

Labcorp Genetics (formerly Invitae), Labcorp
Classification: Uncertain significance. Last evaluated: 2022-07-18. Review status: criteria provided, single submitter. Criteria: Invitae Variant Classification Sherloc (09022015). Collection method: clinical testing. Allele origin: germline.
Comment: This sequence change replaces alanine with valine at codon 4 of the APOA1 protein (p.Ala4Val). The alanine residue is weakly conserved and there is a small physicochemical difference between alanine and valine. The frequency data for this variant in the population databases is considered unreliable, as metrics indicate poor data quality at this position in the gnomAD database. This variant has not been reported in the literature in individuals affected with APOA1-related conditions. Algorithms developed to predict the effect of missense changes on protein structure and function output the following: SIFT: "Not Available"; PolyPhen-2: "Not Available"; Align-GVGD: "Not Available". The valine amino acid residue is found in multiple mammalian species, which suggests that this missense change does not adversely affect protein function. In summary, the available evidence is currently insufficient to determine the role of this variant in disease. Therefore, it has been classified as a Variant of Uncertain Significance. ClinVar contains an entry for this variant (Variation ID: 1384478).